The following is an entry in ClinVar:

NM_001042492.3(NF1):c.4430+72C>T

Gene: NF1 (neurofibromin 1; plus strand). Cytogenetic location: 17q11.2.
Variant type: single nucleotide variant.
Coding change: c.4430+72C>T on transcript NM_001042492.3 (MANE Select); 72 bases into the intron after coding-DNA position 4430, C replaced by T.
Molecular consequence: intron variant.
Genome position (GRCh38, 1-based): chr17:31,259,201, C>T. VCF-style: chr17-31259201-C-T. GRCh37 (hg19) VCF-style: chr17-29586219-C-T.
Other names: c.4367+72C>T (NM_000267.4).
Identifiers: ClinVar variation 561490 (VCV000561490.1), dbSNP rs112394672, ClinGen allele CA289352457.

ClinVar aggregate classification (germline): Likely benign (1 of 4 stars; one submission).

Allele frequency attached by ClinVar (database versions not stated): 1000 Genomes Project 30x 0.00593; gnomAD 0.00395 and 0.00418; TOPMed 0.00420; 1000 Genomes Project 0.00539.
gnomAD v4.1: 959 of 1,049,304 alleles (0.091%); highest among the groups gnomAD compares: African/African-American, 1.3%; 9 homozygotes.

Submission:

GeneDx
Classification: Likely benign. Last evaluated: 2018-06-16. Review status: criteria provided, single submitter. Criteria: GeneDx Variant Classification (06012015). Collection method: clinical testing. Allele origin: germline. Affected: yes.
Comment: This variant is considered likely benign or benign based on one or more of the following criteria: it is a conservative change, it occurs at a poorly conserved position in the protein, it is predicted to be benign by multiple in silico algorithms, and/or has population frequency not consistent with disease.